The following is an entry in ClinVar:

ClinVar aggregate classification (germline): Uncertain significance (1 of 4 stars; one submission).

Submission:

Ambry Genetics
Classification: Uncertain significance. Last evaluated: 2022-03-28. Review status: criteria provided, single submitter. Criteria: Ambry Variant Classification Scheme 2023. Collection method: clinical testing. Allele origin: germline.
Comment: The c.2260_2261delTT variant, located in coding exon 1 of the MLH3 gene, results from a deletion of two nucleotides at nucleotide positions 2260 to 2261, causing a translational frameshift with a predicted alternate stop codon (p.L754Rfs*4). This alteration is expected to result in loss of function by premature protein truncation or nonsense-mediated mRNA decay. The evidence for this gene-disease relationship is limited; therefore, the clinical significance of this alteration is unclear.

NM_001040108.2(MLH3):c.2260_2261del (p.Leu754fs)

Gene: MLH3 (mutL homolog 3; minus strand). Cytogenetic location: 14q24.3.
Variant type: Deletion.
Coding change: c.2260_2261del on transcript NM_001040108.2 (MANE Select); coding-DNA positions 2260 to 2261, 2 bases deleted (TT; older notation c.2260_2261delTT).
Protein change: p.Leu754fs; shifts the reading frame from leucine 754.
Molecular consequence: frameshift variant.
Genome position (GRCh38, 1-based): chr14:75,047,395-75,047,396, AA deleted on the plus strand (TT on the coding strand, the reverse complement: MLH3 is on the minus strand); deleting any 2 consecutive bases within chr14:75,047,395-75,047,397 gives the same sequence; the c. name uses the placement nearest the transcript's 3' end. VCF-style (leftmost placement, unchanged base first): chr14-75047394-TAA-T. GRCh37 (hg19) VCF-style: chr14-75514097-TAA-T.
Other names: c.2260_2261del, p.Leu754fs (NM_014381.3); c.2260_2261delTT (NM_001040108.1); short protein forms L754fs.
Identifiers: ClinVar variation 1788617 (VCV001788617.2), dbSNP rs2503274465, ClinGen allele CA2580088778.